The following is an entry in ClinVar:

NM_000264.5(PTCH1):c.75A>C (p.Gly25=)

Genes: PTCH1 (patched 1; minus strand), LOC130002133 (ATAC-STARR-seq lymphoblastoid silent region 20071; plus strand). Cytogenetic location: 9q22.32.
Variant type: single nucleotide variant.
Coding change: c.75A>C on transcript NM_000264.5 (MANE Select); coding-DNA position 75, A replaced by C.
Protein change: p.Gly25=; no amino-acid change (glycine 25 retained).
Molecular consequence: synonymous variant. On other transcripts: non-coding transcript variant (1), intron variant (3).
Genome position (GRCh38, 1-based): chr9:95,508,287, T>G on the plus strand (A>C on the coding strand, the complement: PTCH1 is on the minus strand). VCF-style: chr9-95508287-T-G. GRCh37 (hg19) VCF-style: chr9-98270569-T-G.
Other names: c.75A>C, p.Gly25= (NM_001354918.2); c.199-1688A>C (NM_001083603.3); c.4-1688A>C (NM_001083602.3, NM_001354919.2).
Identifiers: ClinVar variation 2626225 (VCV002626225.10), dbSNP rs1420722641, ClinGen allele CA466107820.

ClinVar aggregate classification (germline): Likely benign. Review status: criteria provided, multiple submitters, no conflicts (2 of 4 stars). 2 submissions from 2 submitters: Likely benign (2). Last evaluated 2025-08-01.

Conditions:
Hereditary cancer-predisposing syndrome. Also called: Neoplastic Syndromes, Hereditary; Tumor predisposition; Hereditary Cancer Syndrome; Hereditary neoplastic syndrome. Identifiers: Orphanet 140162, MedGen C0027672, MeSH D009386, MONDO:0015356.

Submissions (2):

CeGaT Center for Human Genetics Tuebingen
Classification: Likely benign. Last evaluated: 2025-08-01. Review status: criteria provided, single submitter. Criteria: CeGaT Center For Human Genetics Tuebingen Variant Classification Criteria Version 2. Collection method: clinical testing. Allele origin: germline. Affected: yes. Observed: 1 variant allele.
Comment: PTCH1: BP4, BP7

Ambry Genetics
Classification: Likely benign for Hereditary cancer-predisposing syndrome. Last evaluated: 2023-07-08. Review status: criteria provided, single submitter. Criteria: Ambry Variant Classification Scheme 2023. Collection method: clinical testing. Allele origin: germline.